The following is an entry in ClinVar:

NM_000093.5(COL5A1):c.1081GAG[1] (p.Glu362del)

Gene: COL5A1 (collagen type V alpha 1 chain; plus strand). Cytogenetic location: 9q34.3.
Variant type: Microsatellite.
Coding change: c.1081GAG[1] on transcript NM_000093.5 (MANE Select); one copy of the 3-base unit GAG starting at c.1081; the reference has two copies in a row; one copy, 3 bases deleted.
Protein change: p.Glu362del; deletes glutamic acid 362.
Molecular consequence: inframe deletion.
Genome position (GRCh38, 1-based): chr9:134,730,395-134,730,397, GAG deleted; deleting any 3 consecutive bases within chr9:134,730,391-134,730,397 gives the same sequence; the position shown is the placement nearest the transcript's 3' end. VCF-style (leftmost placement, unchanged base first): chr9-134730390-GGGA-G. GRCh37 (hg19) VCF-style: chr9-137622236-GGGA-G.
Other names: c.1081GAG[1], p.Glu362del (NM_001278074.1); short protein forms E362del.
Identifiers: ClinVar variation 3618709 (VCV003618709.2).

ClinVar aggregate classification (germline): Uncertain significance (1 of 4 stars; one submission).

Conditions:
Ehlers-Danlos syndrome, classic type, 1 (EDSCL1). Also called: EHLERS-DANLOS SYNDROME, GRAVIS TYPE; EHLERS-DANLOS SYNDROME, SEVERE CLASSIC TYPE; Ehlers-Danlos syndrome, type 1; Ehlers-Danlos Syndrome, Classic Type, COL5A1-Related; EDS I. Identifiers: MedGen C0268335, MONDO:0019567, OMIM 130000.

Submission:

Labcorp Genetics (formerly Invitae), Labcorp
Classification: Uncertain significance for Ehlers-Danlos syndrome, classic type, 1. Last evaluated: 2024-06-12. Review status: criteria provided, single submitter. Criteria: Invitae Variant Classification Sherloc (09022015). Collection method: clinical testing. Allele origin: germline.
Comment: This variant, c.1084_1086del, results in the deletion of 1 amino acid(s) of the COL5A1 protein (p.Glu362del), but otherwise preserves the integrity of the reading frame. This variant is not present in population databases (gnomAD no frequency). This variant has not been reported in the literature in individuals affected with COL5A1-related conditions. Experimental studies and prediction algorithms are not available or were not evaluated, and the functional significance of this variant is currently unknown. In summary, the available evidence is currently insufficient to determine the role of this variant in disease. Therefore, it has been classified as a Variant of Uncertain Significance.